The following is an entry in ClinVar:

NM_000742.4(CHRNA2):c.172_173del (p.Glu57_Thr58insTer)

Gene: CHRNA2 (cholinergic receptor nicotinic alpha 2 subunit; minus strand). Cytogenetic location: 8p21.2.
Variant type: Deletion.
Coding change: c.172_173del on transcript NM_000742.4 (MANE Select); coding-DNA positions 172 to 173, 2 bases deleted (AC; older notation c.172_173delAC).
Protein change: p.Glu57_Thr58insTer.
Molecular consequence: nonsense. On other transcripts: 5 prime UTR variant (4).
Genome position (GRCh38, 1-based): chr8:27,469,882-27,469,883, GT deleted on the plus strand (AC on the coding strand, the reverse complement: CHRNA2 is on the minus strand). VCF-style (leftmost placement, unchanged base first): chr8-27469881-AGT-A. GRCh37 (hg19) VCF-style: chr8-27327398-AGT-A.
Other names: c.172_173del, p.Glu57_Thr58insTer (NM_001282455.2); c.-256_-255del (NM_001347705.2); c.-301_-300del (NM_001347706.2); c.-242_-241del (NM_001347707.2); c.-290_-289del (NM_001347708.2).
Identifiers: ClinVar variation 3728903 (VCV003728903.2).

ClinVar aggregate classification (germline): Uncertain significance (1 of 4 stars; one submission).

Conditions:
Familial sleep-related hypermotor epilepsy. Also called: Autosomal Dominant Sleep-Related Hypermotor (Hyperkinetic) Epilepsy. Identifiers: Orphanet 98784, MedGen C3696898, MONDO:0000030.

Submission:

Labcorp Genetics (formerly Invitae), Labcorp
Classification: Uncertain significance. Last evaluated: 2025-01-13. Review status: criteria provided, single submitter. Criteria: Invitae Variant Classification Sherloc (09022015). Collection method: clinical testing. Allele origin: germline.
Comment: This sequence change creates a premature translational stop signal (p.Thr58*) in the CHRNA2 gene. It is expected to result in an absent or disrupted protein product. However, the current clinical and genetic evidence is not sufficient to establish whether loss-of-function variants in CHRNA2 cause disease. This variant is not present in population databases (gnomAD no frequency). This variant has not been reported in the literature in individuals affected with CHRNA2-related conditions. In summary, the available evidence is currently insufficient to determine the role of this variant in disease. Therefore, it has been classified as a Variant of Uncertain Significance.